The following is an entry in ClinVar:

ClinVar aggregate classification (germline): Uncertain significance (1 of 4 stars; one submission).

Conditions:
Stickler syndrome type 2 (STL2). Also called: STICKLER SYNDROME, TYPE II; STICKLER SYNDROME, BEADED VITREOUS TYPE; STICKLER SYNDROME, VITREOUS TYPE 2; COL11A1-Related Stickler Syndrome. Identifiers: Orphanet 828, Orphanet 90654, MedGen C1858084, MONDO:0011493, OMIM 604841.

Submission:

Juno Genomics, Hangzhou Juno Genomics, Inc
Classification: Uncertain significance for Stickler syndrome type 2. Review status: criteria provided, single submitter. Criteria: ACMG Guidelines, 2015. Collection method: clinical testing. Allele origin: germline. Affected: yes.
Comment: Null variant in a gene where loss of function (LOF) is a known mechanism of disease.;Absent from controls (or at extremely low frequency if recessive) in Genome Aggregation Database, Exome Sequencing Project, 1000 Genomes Project, or Exome Aggregation Consortium.;The prevalence of the variant in affected individuals is significantly increased compared to the prevalence in controls.;Patient's phenotype or family history is highly specific for a disease with a single genetic etiology.

NM_001854.4(COL11A1):c.2043+1G>A

Gene: COL11A1 (collagen type XI alpha 1 chain; minus strand). Cytogenetic location: 1p21.1.
Variant type: single nucleotide variant.
Coding change: c.2043+1G>A on transcript NM_001854.4 (MANE Select); the canonical splice donor site of the intron after coding-DNA position 2043, G replaced by A.
Molecular consequence: splice donor variant.
Genome position (GRCh38, 1-based): chr1:103,002,746, C>T on the plus strand (G>A on the coding strand, the complement: COL11A1 is on the minus strand). VCF-style: chr1-103002746-C-T. GRCh37 (hg19) VCF-style: chr1-103468302-C-T.
Other names: c.1926+1G>A (NM_001190709.2); c.2079+1G>A (NM_080629.3); c.1695+1G>A (NM_080630.4).
Identifiers: ClinVar variation 3381882 (VCV003381882.2).